The following is an entry in ClinVar:

NM_001127644.2(GABRA1):c.1228A>G (p.Lys410Glu)

Gene: GABRA1 (gamma-aminobutyric acid type A receptor subunit alpha1; plus strand). Cytogenetic location: 5q34.
Variant type: single nucleotide variant.
Coding change: c.1228A>G on transcript NM_001127644.2 (MANE Select); coding-DNA position 1228, A replaced by G.
Protein change: p.Lys410Glu; replaces lysine 410 with glutamic acid.
Molecular consequence: missense variant.
Genome position (GRCh38, 1-based): chr5:161,897,279, A>G. VCF-style: chr5-161897279-A-G. GRCh37 (hg19) VCF-style: chr5-161324285-A-G.
Other names: c.1228A>G, p.Lys410Glu (NM_000806.5, NM_001127643.2, NM_001127645.2 and 1 more transcripts); short protein forms K410E.
Identifiers: ClinVar variation 468872 (VCV000468872.8), dbSNP rs1424659316, ClinGen allele CA362180948.
Genomic context (GRCh38, chr5:161,897,279, plus strand): 5'-GCTAAAAGTGCAACCATAGAACCTAAAGAGGTCAAGCCCGAAACAAAACCACCAGAACCC[A>G]AGAAAACCTTTAACAGTGTCAGCAAAATTGACCGACTGTCAAGAATAGCCTTCCCGCTGC-3'
Protein context (NP_001121116.1, residues 400-420): VKPETKPPEP[Lys410Glu]KTFNSVSKID

ClinVar aggregate classification (germline): Uncertain significance (1 of 4 stars; one submission).

Conditions:
Idiopathic generalized epilepsy. Also called: EIG; Generalised epilepsy. Identifiers: MedGen C0270850, MONDO:0005579, OMIM 600669.
Epilepsy, idiopathic generalized, susceptibility to, 13. Also called: EPILEPSY, JUVENILE MYOCLONIC, SUSCEPTIBILITY TO, 5. Identifiers: Orphanet 307, Orphanet 64280, MedGen C4013473, MONDO:0012627, OMIM 611136.
Epilepsy, childhood absence 4 (ECA4). Also called: EPILEPSY, CHILDHOOD ABSENCE, SUSCEPTIBILITY TO, 4. Identifiers: Orphanet 307, MedGen C1970160.

Allele frequency attached by ClinVar (database versions not stated): gnomAD exomes below 0.00001; gnomAD 0.00001; TOPMed 0.00002.
gnomAD v4.1: 2 of 1,614,056 alleles (0.00012%); highest among the groups gnomAD compares: African/African-American, 0.0013%; no homozygotes.

Submission:

Labcorp Genetics (formerly Invitae), Labcorp
Classification: Uncertain significance for Epilepsy, childhood absence 4; Epilepsy, idiopathic generalized, susceptibility to, 13; Idiopathic generalized epilepsy. Last evaluated: 2024-01-02. Review status: criteria provided, single submitter. Criteria: Invitae Variant Classification Sherloc (09022015). Collection method: clinical testing. Allele origin: germline.
Comment: This sequence change replaces lysine, which is basic and polar, with glutamic acid, which is acidic and polar, at codon 410 of the GABRA1 protein (p.Lys410Glu). This variant is not present in population databases (gnomAD no frequency). This variant has not been reported in the literature in individuals affected with GABRA1-related conditions. ClinVar contains an entry for this variant (Variation ID: 468872). Advanced modeling of protein sequence and biophysical properties (such as structural, functional, and spatial information, amino acid conservation, physicochemical variation, residue mobility, and thermodynamic stability) has been performed at Invitae for this missense variant, however the output from this modeling did not meet the statistical confidence thresholds required to predict the impact of this variant on GABRA1 protein function. In summary, the available evidence is currently insufficient to determine the role of this variant in disease. Therefore, it has been classified as a Variant of Uncertain Significance.